The following is an entry in ClinVar:

ClinVar aggregate classification (germline): Uncertain significance (1 of 4 stars; one submission).

Conditions:
Hereditary cancer-predisposing syndrome. Also called: Neoplastic Syndromes, Hereditary; Tumor predisposition; Hereditary Cancer Syndrome; Hereditary neoplastic syndrome. Identifiers: Orphanet 140162, MedGen C0027672, MeSH D009386, MONDO:0015356.

Submission:

Ambry Genetics
Classification: Uncertain significance for Hereditary cancer-predisposing syndrome. Last evaluated: 2024-09-24. Review status: criteria provided, single submitter. Criteria: Ambry Variant Classification Scheme 2023. Collection method: clinical testing. Allele origin: germline.
Comment: The p.Q611L variant (also known as c.1832A>T), located in coding exon 14 of the SDHA gene, results from an A to T substitution at nucleotide position 1832. The glutamine at codon 611 is replaced by leucine, an amino acid with dissimilar properties. This amino acid position is not well conserved in available vertebrate species. In addition, the in silico prediction for this alteration is inconclusive. Based on the available evidence, the clinical significance of this variant remains unclear.

NM_004168.4(SDHA):c.1832A>T (p.Gln611Leu)

Gene: SDHA (succinate dehydrogenase complex flavoprotein subunit A; plus strand). Cytogenetic location: 5p15.33.
Variant type: single nucleotide variant.
Coding change: c.1832A>T on transcript NM_004168.4 (MANE Select); coding-DNA position 1832, A replaced by T.
Protein change: p.Gln611Leu; replaces glutamine 611 with leucine.
Molecular consequence: missense variant.
Genome position (GRCh38, 1-based): chr5:254,430, A>T. VCF-style: chr5-254430-A-T. GRCh37 (hg19) VCF-style: chr5-254545-A-T.
Other names: c.1688A>T, p.Gln563Leu (NM_001294332.2); c.1589A>T, p.Gln530Leu (NM_001330758.2); short protein forms Q611L, Q530L, Q563L.
Identifiers: ClinVar variation 1780979 (VCV001780979.3), dbSNP rs1737046877, ClinGen allele CA359001834.